The following is an entry in ClinVar:

NM_012062.5(DNM1L):c.357A>G (p.Ser119=)

Gene: DNM1L (dynamin 1L; plus strand). Cytogenetic location: 12p11.21.
Variant type: single nucleotide variant.
Coding change: c.357A>G on transcript NM_012062.5 (MANE Select); coding-DNA position 357, A replaced by G.
Protein change: p.Ser119=; no amino-acid change (serine 119 retained).
Molecular consequence: synonymous variant. On other transcripts: intron variant (1).
Genome position (GRCh38, 1-based): chr12:32,708,212, A>G. VCF-style: chr12-32708212-A-G. GRCh37 (hg19) VCF-style: chr12-32861146-A-G.
Other names: c.357A>G, p.Ser119= (NM_001278463.2, NM_005690.5, NM_012063.4); c.396A>G, p.Ser132= (NM_001278464.2, NM_001278465.2, NM_001330380.2); c.131+799A>G (NM_001278466.2).
Identifiers: ClinVar variation 2642837 (VCV002642837.27), dbSNP rs1490489859, ClinGen allele CA479169781.

ClinVar aggregate classification (germline): Likely benign. Review status: criteria provided, multiple submitters, no conflicts (2 of 4 stars). 3 submissions from 3 submitters: Likely benign (3). Last evaluated 2024-12-06.

Allele frequency attached by ClinVar (database versions not stated): gnomAD exomes below 0.00001.
gnomAD v4.1: 1 of 1,595,088 alleles (0.000063%); highest among the groups gnomAD compares: African/African-American, 0.0013%; no homozygotes.

Submissions (3):

Labcorp Genetics (formerly Invitae), Labcorp
Classification: Likely benign. Last evaluated: 2024-12-06. Review status: criteria provided, single submitter. Criteria: Invitae Variant Classification Sherloc (09022015). Collection method: clinical testing. Allele origin: germline.

Blueprint Genetics
Classification: Likely benign. Last evaluated: 2024-04-25. Review status: criteria provided, single submitter. Criteria: ACMG Guidelines, 2015. Collection method: clinical testing. Allele origin: germline.

CeGaT Center for Human Genetics Tuebingen
Classification: Likely benign. Last evaluated: 2022-10-01. Review status: criteria provided, single submitter. Criteria: CeGaT Center For Human Genetics Tuebingen Variant Classification Criteria Version 2. Collection method: clinical testing. Allele origin: germline. Affected: yes. Observed: 1 variant allele.
Comment: DNM1L: BP4, BP7